The following is an entry in ClinVar:

ClinVar aggregate classification (germline): Uncertain significance. Review status: criteria provided, multiple submitters, no conflicts (2 of 4 stars). 2 submissions from 2 submitters: Uncertain significance (2). Last evaluated 2025-05-28.

Conditions:
Wiskott-Aldrich syndrome 2 (WAS2). Also called: WIPF1 DEFICIENCY. Identifiers: Orphanet 906, MedGen C3281001, MONDO:0013779, OMIM 614493.
Inborn genetic diseases. Identifiers: MedGen C0950123, MeSH D030342.

Allele frequency attached by ClinVar (database versions not stated): gnomAD exomes 0.00004 and 0.00015; ExAC 0.00005; TOPMed 0.00012; gnomAD 0.00013 and 0.00014.
gnomAD v4.1: 232 of 1,614,072 alleles (0.014%); highest among the groups gnomAD compares: Non-Finnish European, 0.018%; no homozygotes.

Submissions (2):

Ambry Genetics
Classification: Uncertain significance for Inborn genetic diseases. Last evaluated: 2025-05-28. Review status: criteria provided, single submitter. Criteria: Ambry Variant Classification Scheme 2023. Collection method: clinical testing. Allele origin: germline.

Labcorp Genetics (formerly Invitae), Labcorp
Classification: Uncertain significance for Wiskott-Aldrich syndrome 2. Last evaluated: 2022-04-19. Review status: criteria provided, single submitter. Criteria: Invitae Variant Classification Sherloc (09022015). Collection method: clinical testing. Allele origin: germline.
Comment: This sequence change replaces arginine, which is basic and polar, with tryptophan, which is neutral and slightly polar, at codon 201 of the WIPF1 protein (p.Arg201Trp). This variant is present in population databases (rs770426754, gnomAD 0.01%). This variant has not been reported in the literature in individuals affected with WIPF1-related conditions. ClinVar contains an entry for this variant (Variation ID: 1062526). Algorithms developed to predict the effect of missense changes on protein structure and function are either unavailable or do not agree on the potential impact of this missense change (SIFT: "Not Available"; PolyPhen-2: "Probably Damaging"; Align-GVGD: "Not Available"). In summary, the available evidence is currently insufficient to determine the role of this variant in disease. Therefore, it has been classified as a Variant of Uncertain Significance.

NM_001375834.1(WIPF1):c.601C>T (p.Arg201Trp)

Gene: WIPF1 (WAS/WASL interacting protein family member 1; minus strand). Cytogenetic location: 2q31.1.
Variant type: single nucleotide variant.
Coding change: c.601C>T on transcript NM_001375834.1 (MANE Select); coding-DNA position 601, C replaced by T.
Protein change: p.Arg201Trp; replaces arginine 201 with tryptophan.
Molecular consequence: missense variant.
Genome position (GRCh38, 1-based): chr2:174,572,204, G>A on the plus strand (C>T on the coding strand, the complement: WIPF1 is on the minus strand). VCF-style: chr2-174572204-G-A. GRCh37 (hg19) VCF-style: chr2-175436932-G-A.
Other names: c.601C>T, p.Arg201Trp (NM_001077269.1, NM_001375832.1, NM_001375833.1 and 5 more transcripts); c.223C>T, p.Arg75Trp (NM_001375839.1); short protein forms R201W, R75W.
Identifiers: ClinVar variation 1062526 (VCV001062526.6), dbSNP rs770426754, ClinGen allele CA1974098.